The following is an entry in ClinVar:

ClinVar aggregate classification (germline): Pathogenic (1 of 4 stars; one submission).

Submission:

GeneDx
Classification: Pathogenic. Last evaluated: 2023-10-31. Review status: criteria provided, single submitter. Criteria: GeneDx Variant Classification Process June 2021. Collection method: clinical testing. Allele origin: germline. Affected: yes.
Comment: Occurs in the triple helical domain and replaces a glycine in a canonical Gly-X-Y repeat; missense substitution of a canonical glycine residue is expected to disrupt normal protein folding and function, and this is an established mechanism of disease (PMID: 34007986); Not observed at significant frequency in large population cohorts (gnomAD); In silico analysis supports that this missense variant has a deleterious effect on protein structure/function; Has not been previously published as pathogenic or benign to our knowledge; This variant is associated with the following publications: (PMID: 34007986)

NM_001844.5(COL2A1):c.3401G>A (p.Gly1134Asp)

Gene: COL2A1 (collagen type II alpha 1 chain; minus strand). Cytogenetic location: 12q13.11.
Variant type: single nucleotide variant.
Coding change: c.3401G>A on transcript NM_001844.5 (MANE Select); coding-DNA position 3401, G replaced by A.
Protein change: p.Gly1134Asp; replaces glycine 1134 with aspartic acid.
Molecular consequence: missense variant.
Genome position (GRCh38, 1-based): chr12:47,976,846, C>T on the plus strand (G>A on the coding strand, the complement: COL2A1 is on the minus strand). VCF-style: chr12-47976846-C-T. GRCh37 (hg19) VCF-style: chr12-48370629-C-T.
Other names: c.3194G>A, p.Gly1065Asp (NM_033150.3); short protein forms G1065D, G1134D.
Identifiers: ClinVar variation 2662821 (VCV002662821.1), dbSNP rs2540105677, ClinGen allele CA384538786.
Genomic context (GRCh38, chr12:47,976,846, plus strand): 5'-AGTCCCACGCAGGCAGTGACACTCACAGGAGGGCCGGGCAGACCCTGCAGACCAGTGAAG[C>T]CACGGTGTCCCTTCAGGCCTCTCTCGCCAGGCTCTCCAGCCTCTCCTTTGTCACCTCTGG-3'
Protein context (NP_001835.3, residues 1124-1144): PGERGLKGHR[Gly1134Asp]FTGLQGLPGP